The following is an entry in ClinVar:

ClinVar aggregate classification (germline): Conflicting classifications of pathogenicity. Review status: criteria provided, conflicting classifications (1 of 4 stars). 2 submissions from 2 submitters: Uncertain significance (1); Benign (1). Last evaluated 2026-02-15.

Submissions (2):

GeneDx
Classification: Uncertain significance. Last evaluated: 2026-02-15. Review status: criteria provided, single submitter. Criteria: GeneDx Variant Classification Process June 2021. Collection method: clinical testing. Allele origin: germline.
Comment: Not observed at significant frequency in large population cohorts (gnomAD); In silico analysis supports that this missense variant has a deleterious effect on protein structure/function; Has not been previously published as pathogenic or benign to our knowledge

Labcorp Genetics (formerly Invitae), Labcorp
Classification: Benign. Last evaluated: 2022-06-13. Review status: criteria provided, single submitter. Criteria: Invitae Variant Classification Sherloc (09022015). Collection method: clinical testing. Allele origin: germline.

NM_014225.6(PPP2R1A):c.1229A>T (p.Glu410Val)

Gene: PPP2R1A (protein phosphatase 2 scaffold subunit Aalpha; plus strand). Cytogenetic location: 19q13.41.
Variant type: single nucleotide variant.
Coding change: c.1229A>T on transcript NM_014225.6 (MANE Select); coding-DNA position 1229, A replaced by T.
Protein change: p.Glu410Val; replaces glutamic acid 410 with valine.
Molecular consequence: missense variant. On other transcripts: non-coding transcript variant (1).
Genome position (GRCh38, 1-based): chr19:52,219,791, A>T. VCF-style: chr19-52219791-A-T. GRCh37 (hg19) VCF-style: chr19-52723044-A-T.
Other names: c.692A>T, p.Glu231Val (NM_001363656.2); c.1229A>T (NM_014225.5); short protein forms E231V, E410V.
Identifiers: ClinVar variation 1520288 (VCV001520288.8), dbSNP rs2122360528, ClinGen allele CA407189430.
Genomic context (GRCh38, chr19:52,219,791, plus strand): 5'-GTGTGAACGAGGTGATTGGCATCCGGCAGCTGTCCCAGTCCCTGCTCCCTGCCATTGTGG[A>T]GCTGGCTGAGGACGCCAAGTGGCGGGTGCGGCTGGCCATCATTGAGTACATGCCCCTCCT-3'
Protein context (NP_055040.2, residues 400-420): LSQSLLPAIV[Glu410Val]LAEDAKWRVR